The following is an entry in ClinVar:

ClinVar aggregate classification (germline): Likely benign. Review status: criteria provided, multiple submitters, no conflicts (2 of 4 stars). 2 submissions from 2 submitters: Likely benign (2). Last evaluated 2025-02-18.

Conditions:
Breast-ovarian cancer, familial, susceptibility to, 3. Also called: RAD51C-Related Breast/Ovarian Cancer. Identifiers: Orphanet 145, MedGen C3150659, MONDO:0013253, OMIM 613399.
Fanconi anemia complementation group O. Also called: RAD51C-Related Fanconi Anemia. Identifiers: Orphanet 84, MedGen C3150653, MONDO:0013248, OMIM 613390.

gnomAD v4.1: 2 of 1,609,198 alleles (0.00012%); highest among the groups gnomAD compares: Non-Finnish European, 0.000085%; no homozygotes.

Submissions (2):

Myriad Genetics, Inc.
Classification: Likely benign for Breast-ovarian cancer, familial, susceptibility to, 3. Last evaluated: 2025-02-18. Review status: criteria provided, single submitter. Criteria: Myriad Autosomal Dominant, Autosomal Recessive and X-Linked Classification Criteria (2023). Collection method: clinical testing. Allele origin: unknown.
Comment: This variant is considered likely benign. This variant is intronic and is not expected to impact mRNA splicing.

Labcorp Genetics (formerly Invitae), Labcorp
Classification: Likely benign for Fanconi anemia complementation group O. Last evaluated: 2024-04-08. Review status: criteria provided, single submitter. Criteria: Invitae Variant Classification Sherloc (09022015). Collection method: clinical testing. Allele origin: germline.

NM_058216.3(RAD51C):c.705+9C>G

Genes: RAD51C (RAD51 paralog C; plus strand), LOC129390903 (MPRA-validated peak2919 silencer; plus strand). Cytogenetic location: 17q22.
Variant type: single nucleotide variant.
Coding change: c.705+9C>G on transcript NM_058216.3 (MANE Select); 9 bases into the intron after coding-DNA position 705, C replaced by G.
Molecular consequence: intron variant.
Genome position (GRCh38, 1-based): chr17:58,703,338, C>G. VCF-style: chr17-58703338-C-G. GRCh37 (hg19) VCF-style: chr17-56780699-C-G.
Identifiers: ClinVar variation 1099308 (VCV001099308.10), dbSNP rs1598473685, ClinGen allele CA2267819527.